The following is an entry in ClinVar:

ClinVar aggregate classification (germline): Likely benign (0 of 4 stars; one submission).

Conditions:
UBN2-related disorder. Also called: UBN2-related condition.

Submission:

PreventionGenetics, part of Exact Sciences
Classification: Likely benign for UBN2-related condition. Last evaluated: 2019-02-20. Review status: no assertion criteria provided. Collection method: clinical testing. Allele origin: germline.
Comment: This variant is classified as likely benign based on ACMG/AMP sequence variant interpretation guidelines (Richards et al. 2015 PMID: 25741868, with internal and published modifications).

NM_173569.4(UBN2):c.3000T>G (p.Val1000=)

Gene: UBN2 (ubinuclein 2; plus strand). Cytogenetic location: 7q34.
Variant type: single nucleotide variant.
Coding change: c.3000T>G on transcript NM_173569.4 (MANE Select); coding-DNA position 3000, T replaced by G.
Protein change: p.Val1000=; no amino-acid change (valine 1000 retained).
Molecular consequence: synonymous variant.
Genome position (GRCh38, 1-based): chr7:139,283,905, T>G. VCF-style: chr7-139283905-T-G. GRCh37 (hg19) VCF-style: chr7-138968651-T-G.
Identifiers: ClinVar variation 3055692 (VCV003055692.2), dbSNP rs2486308386, ClinGen allele CA458155087.